The following is an entry in ClinVar:

ClinVar aggregate classification (germline): Pathogenic (1 of 4 stars; one submission).

Conditions:
GLUT1 deficiency syndrome 1, autosomal recessive. Identifiers: MedGen C3149117.

Submission:

Labcorp Genetics (formerly Invitae), Labcorp
Classification: Pathogenic for GLUT1 deficiency syndrome 1, autosomal recessive. Last evaluated: 2018-12-13. Review status: criteria provided, single submitter. Criteria: Invitae Variant Classification Sherloc (09022015). Collection method: clinical testing. Allele origin: germline.
Comment: This sequence change creates a premature translational stop signal (p.Leu102Argfs*21) in the SLC2A1 gene. It is expected to result in an absent or disrupted protein product. This variant is not present in population databases (ExAC no frequency). This variant has not been reported in the literature in individuals with SLC2A1-related conditions. Loss-of-function variants in SLC2A1 are known to be pathogenic (PMID: 21832227, 26193382). For these reasons, this variant has been classified as Pathogenic.

Literature cited by the submitters: PubMed 21832227; PubMed 26193382.

NM_006516.4(SLC2A1):c.305del (p.Leu102fs)

Gene: SLC2A1 (solute carrier family 2 member 1; minus strand). Cytogenetic location: 1p34.2.
Variant type: Deletion.
Coding change: c.305del on transcript NM_006516.4 (MANE Select); coding-DNA position 305, one base deleted (T; older notation c.305delT).
Protein change: p.Leu102fs; shifts the reading frame from leucine 102.
Molecular consequence: frameshift variant.
Genome position (GRCh38, 1-based): chr1:42,930,837, A deleted on the plus strand (T on the coding strand, the reverse complement: SLC2A1 is on the minus strand). VCF-style (leftmost placement, unchanged base first): chr1-42930836-CA-C. GRCh37 (hg19) VCF-style: chr1-43396507-CA-C.
Other names: short protein forms L102fs.
Identifiers: ClinVar variation 650450 (VCV000650450.7), dbSNP rs1570593621, ClinGen allele CA915941234.